The following is an entry in ClinVar:

NM_201384.3(PLEC):c.5910G>A (p.Ala1970=)

Gene: PLEC (plectin; minus strand). Cytogenetic location: 8q24.3.
Variant type: single nucleotide variant.
Coding change: c.5910G>A on transcript NM_201384.3 (MANE Select); coding-DNA position 5910, G replaced by A.
Protein change: p.Ala1970=; no amino-acid change (alanine 1970 retained).
Molecular consequence: synonymous variant.
Genome position (GRCh38, 1-based): chr8:143,924,019, C>T on the plus strand (G>A on the coding strand, the complement: PLEC is on the minus strand). VCF-style: chr8-143924019-C-T. GRCh37 (hg19) VCF-style: chr8-144998187-C-T.
Other names: c.5991G>A (NM_000445.4); c.5991G>A, p.Ala1997= (NM_000445.5); c.5868G>A, p.Ala1956= (NM_201378.4); c.5844G>A, p.Ala1948= (NM_201379.3); c.6321G>A, p.Ala2107= (NM_201380.4); c.5814G>A, p.Ala1938= (NM_201381.3); c.5910G>A, p.Ala1970= (NM_201382.4); c.5922G>A, p.Ala1974= (NM_201383.3).
Identifiers: ClinVar variation 1141582 (VCV001141582.9), dbSNP rs370973974, ClinGen allele CA4926198.

ClinVar aggregate classification (germline): Likely benign. Review status: criteria provided, multiple submitters, no conflicts (2 of 4 stars). 3 submissions from 3 submitters: Likely benign (3). Last evaluated 2026-06-12.

Conditions:
PLEC-related disorder. Also called: PLEC-related disorders; PLEC-related condition.
Epidermolysis bullosa simplex with nail dystrophy (EBS5D). Identifiers: MedGen C4225309, MONDO:0014661, OMIM 616487.
Autosomal recessive limb-girdle muscular dystrophy type 2Q (LGMDR17). Also called: MUSCULAR DYSTROPHY, LIMB-GIRDLE, AUTOSOMAL RECESSIVE 17. Identifiers: Orphanet 254361, MedGen C3150989, MONDO:0013390, OMIM 613723.
Epidermolysis bullosa simplex, Ogna type (EBS5A). Also called: Pidermolysis bullosa simplex 5A, Ogna type; EPIDERMOLYSIS BULLOSA SIMPLEX 5A, OGNA TYPE. Identifiers: Orphanet 79401, MedGen C0432317, MONDO:0007555, OMIM 131950.
Epidermolysis bullosa simplex 5C, with pyloric atresia (EBS5C). Also called: PLEC-Related Epidermolysis Bullosa with Pyloric Atresia; Epidermolysis bullosa simplex with pyloric atresia; PLEC1-Related Epidermolysis Bullosa with Pyloric Atresia. Identifiers: Orphanet 158684, MedGen C2677349, MONDO:0012807, OMIM 612138.
Epidermolysis bullosa simplex 5B, with muscular dystrophy (EBS5B). Also called: EPIDERMOLYSIS BULLOSA SIMPLEX AND LIMB-GIRDLE MUSCULAR DYSTROPHY; Epidermolysis bullosa simplex with muscular dystrophy. Identifiers: Orphanet 257, MedGen C2931072, MONDO:0009181, OMIM 226670.

Allele frequency attached by ClinVar (database versions not stated): gnomAD exomes 0.00003; ExAC 0.00006; TOPMed 0.00008; gnomAD 0.00009; 1000 Genomes Project 30x 0.00016; ESP Exome Variant Server 0.00024.
gnomAD v4.1: 95 of 1,589,576 alleles (0.006%); highest among the groups gnomAD compares: African/African-American, 0.015%; 1 homozygote.

Submissions (3):

PreventionGenetics, part of Exact Sciences
Classification: Likely benign for PLEC-related condition. Last evaluated: 2026-06-12. Review status: criteria provided, single submitter. Criteria: ACMG Guidelines, 2015. Collection method: clinical testing. Allele origin: germline.
Comment: This variant is classified as likely benign based on ACMG/AMP sequence variant interpretation guidelines (Richards et al. 2015 PMID: 25741868, with internal and published modifications).

Labcorp Genetics (formerly Invitae), Labcorp
Classification: Likely benign for Autosomal recessive limb-girdle muscular dystrophy type 2Q; Epidermolysis bullosa simplex, Ogna type; Epidermolysis bullosa simplex with nail dystrophy; Epidermolysis bullosa simplex 5C, with pyloric atresia; Epidermolysis bullosa simplex 5B, with muscular dystrophy. Last evaluated: 2025-11-11. Review status: criteria provided, single submitter. Criteria: Invitae Variant Classification Sherloc (09022015). Collection method: clinical testing. Allele origin: germline.

Blueprint Genetics
Classification: Likely benign. Last evaluated: 2023-10-23. Review status: criteria provided, single submitter. Criteria: ACMG Guidelines, 2015. Collection method: clinical testing. Allele origin: germline.